The following is an entry in ClinVar:

ClinVar aggregate classification (germline): Uncertain significance (1 of 4 stars; one submission).

Conditions:
Inborn genetic diseases. Identifiers: MedGen C0950123, MeSH D030342.

Submission:

Ambry Genetics
Classification: Uncertain significance for Inborn genetic diseases. Last evaluated: 2026-02-17. Review status: criteria provided, single submitter. Criteria: Ambry Variant Classification Scheme 2023. Collection method: clinical testing. Allele origin: germline.
Comment: The p.L831R variant (also known as c.2492T>G), located in coding exon 12 of the BMPR2 gene, results from a T to G substitution at nucleotide position 2492. The leucine at codon 831 is replaced by arginine, an amino acid with dissimilar properties. This amino acid position is conserved. In addition, this alteration is predicted to be tolerated by in silico analysis. Based on the available evidence, the clinical significance of this variant remains unclear.

NM_001204.7(BMPR2):c.2492T>G (p.Leu831Arg)

Gene: BMPR2 (bone morphogenetic protein receptor type 2; plus strand). Cytogenetic location: 2q33.2.
Variant type: single nucleotide variant.
Coding change: c.2492T>G on transcript NM_001204.7 (MANE Select); coding-DNA position 2492, T replaced by G.
Protein change: p.Leu831Arg; replaces leucine 831 with arginine.
Molecular consequence: missense variant.
Genome position (GRCh38, 1-based): chr2:202,556,157, T>G. VCF-style: chr2-202556157-T-G. GRCh37 (hg19) VCF-style: chr2-203420880-T-G.
Other names: short protein forms L831R.
Identifiers: ClinVar variation 4824926 (VCV004824926.1).